The following is an entry in ClinVar:

ClinVar aggregate classification (germline): Uncertain significance (1 of 4 stars; one submission).

Conditions:
Hereditary cancer-predisposing syndrome. Also called: Neoplastic Syndromes, Hereditary; Tumor predisposition; Hereditary neoplastic syndrome; Hereditary Cancer Syndrome. Identifiers: Orphanet 140162, MedGen C0027672, MeSH D009386, MONDO:0015356.

Submission:

Ambry Genetics
Classification: Uncertain significance for Hereditary cancer-predisposing syndrome. Last evaluated: 2026-07-06. Review status: criteria provided, single submitter. Criteria: Ambry Variant Classification Scheme 2023. Collection method: clinical testing. Allele origin: germline.
Comment: The p.Q794H variant (also known as c.2382G>C), located in coding exon 9 of the AXIN2 gene, results from a G to C substitution at nucleotide position 2382. The glutamine at codon 794 is replaced by histidine, an amino acid with highly similar properties. This amino acid position is conserved. In addition, the in silico prediction for this alteration is inconclusive. Based on the available evidence, the clinical significance of this variant remains unclear.

NM_004655.4(AXIN2):c.2382G>C (p.Gln794His)

Gene: AXIN2 (axin 2; minus strand). Cytogenetic location: 17q24.1.
Variant type: single nucleotide variant.
Coding change: c.2382G>C on transcript NM_004655.4 (MANE Select); coding-DNA position 2382, G replaced by C.
Protein change: p.Gln794His; replaces glutamine 794 with histidine.
Molecular consequence: missense variant.
Genome position (GRCh38, 1-based): chr17:65,533,935, C>G on the plus strand (G>C on the coding strand, the complement: AXIN2 is on the minus strand). VCF-style: chr17-65533935-C-G. GRCh37 (hg19) VCF-style: chr17-63530053-C-G.
Other names: c.2187G>C, p.Gln729His (NM_001363813.1); short protein forms Q729H, Q794H.
Identifiers: ClinVar variation 5032569 (VCV005032569.1).